The following is an entry in ClinVar:

NM_003482.4(KMT2D):c.5188+7C>T

Gene: KMT2D (lysine methyltransferase 2D; minus strand). Cytogenetic location: 12q13.12.
Variant type: single nucleotide variant.
Coding change: c.5188+7C>T on transcript NM_003482.4 (MANE Select); 7 bases into the intron after coding-DNA position 5188, C replaced by T.
Molecular consequence: intron variant.
Genome position (GRCh38, 1-based): chr12:49,044,193, G>A on the plus strand (C>T on the coding strand, the complement: KMT2D is on the minus strand). VCF-style: chr12-49044193-G-A. GRCh37 (hg19) VCF-style: chr12-49437976-G-A.
Identifiers: ClinVar variation 1655739 (VCV001655739.16), dbSNP rs772349962, ClinGen allele CA6547606.

ClinVar aggregate classification (germline): Likely benign. Review status: criteria provided, multiple submitters, no conflicts (2 of 4 stars). 2 submissions from 2 submitters: Likely benign (2). Last evaluated 2025-11-21.

Conditions:
Kabuki syndrome. Also called: NIIKAWA-KUROKI SYNDROME; Kabuki make-up syndrome. Identifiers: Orphanet 2322, MedGen C0796004, MONDO:0016512.

Allele frequency attached by ClinVar (database versions not stated): ExAC 0.00002; gnomAD exomes 0.00003; TOPMed 0.00008.
gnomAD v4.1: 41 of 1,610,350 alleles (0.0025%); highest among the groups gnomAD compares: East Asian, 0.016%; no homozygotes.

Submissions (2):

Labcorp Genetics (formerly Invitae), Labcorp
Classification: Likely benign for Kabuki syndrome. Last evaluated: 2025-11-21. Review status: criteria provided, single submitter. Criteria: Invitae Variant Classification Sherloc (09022015). Collection method: clinical testing. Allele origin: germline.

CeGaT Center for Human Genetics Tuebingen
Classification: Likely benign. Last evaluated: 2025-07-01. Review status: criteria provided, single submitter. Criteria: CeGaT Center For Human Genetics Tuebingen Variant Classification Criteria Version 2. Collection method: clinical testing. Allele origin: germline. Affected: yes. Observed: 1 variant allele.
Comment: KMT2D: BP4